The following is an entry in ClinVar:

NM_004463.3(FGD1):c.2386_2398del (p.Ser796fs)

Gene: FGD1 (FYVE, RhoGEF and PH domain containing 1; minus strand). Cytogenetic location: Xp11.22.
Variant type: Deletion.
Coding change: c.2386_2398del on transcript NM_004463.3 (MANE Select); coding-DNA positions 2386 to 2398, 13 bases deleted (AGTCCAGCCTGCA).
Protein change: p.Ser796fs; shifts the reading frame from serine 796.
Molecular consequence: frameshift variant.
Genome position (GRCh38, 1-based): chrX:54,448,844-54,448,856, TGCAGGCTGGACT deleted on the plus strand (AGTCCAGCCTGCA on the coding strand, the reverse complement: FGD1 is on the minus strand). VCF-style (leftmost placement, unchanged base first): chrX-54448843-CTGCAGGCTGGACT-C. GRCh37 (hg19) VCF-style: chrX-54475276-CTGCAGGCTGGACT-C.
Other names: short protein forms S796fs.
Identifiers: ClinVar variation 5007584 (VCV005007584.2).

ClinVar aggregate classification (germline): Uncertain significance (1 of 4 stars; one submission).

Conditions:
Aarskog syndrome (AAS). Also called: Aarskog Scott syndrome; Aarskog disease; FGD1-Related Faciogenital Dysplasia (Aarskog-Scott Syndrome); FGDY; Aarskog-Scott syndrome, X-linked. Identifiers: Orphanet 915, MedGen C0175701, MONDO:0010589, OMIM 305400.

Submission:

Juno Genomics, Hangzhou Juno Genomics, Inc
Classification: Uncertain significance for Aarskog syndrome. Review status: criteria provided, single submitter. Criteria: ACMG Guidelines, 2015. Collection method: clinical testing. Allele origin: germline.
Comment: Null variant in a gene where loss of function (LOF) is a known mechanism of disease.;Absent from controls (or at extremely low frequency if recessive) in Genome Aggregation Database.